The following is an entry in ClinVar:

ClinVar aggregate classification (germline): Uncertain significance (1 of 4 stars; one submission).

Allele frequency attached by ClinVar (database versions not stated): gnomAD 0.00001.
gnomAD v4.1: 1 of 1,613,876 alleles (0.000062%); highest among the groups gnomAD compares: African/African-American, 0.0013%; no homozygotes.

Submission:

Labcorp Genetics (formerly Invitae), Labcorp
Classification: Uncertain significance. Last evaluated: 2023-05-24. Review status: criteria provided, single submitter. Criteria: Invitae Variant Classification Sherloc (09022015). Collection method: clinical testing. Allele origin: germline.
Comment: This sequence change replaces valine, which is neutral and non-polar, with methionine, which is neutral and non-polar, at codon 64 of the ADIPOR1 protein (p.Val64Met). This variant is not present in population databases (gnomAD no frequency). This variant has not been reported in the literature in individuals affected with ADIPOR1-related conditions. An algorithm developed to predict the effect of missense changes on protein structure and function (PolyPhen-2) suggests that this variant is likely to be tolerated. In summary, the available evidence is currently insufficient to determine the role of this variant in disease. Therefore, it has been classified as a Variant of Uncertain Significance.

NM_015999.6(ADIPOR1):c.190G>A (p.Val64Met)

Gene: ADIPOR1 (adiponectin receptor 1; minus strand). Cytogenetic location: 1q32.1.
Variant type: single nucleotide variant.
Coding change: c.190G>A on transcript NM_015999.6 (MANE Select); coding-DNA position 190, G replaced by A.
Protein change: p.Val64Met; replaces valine 64 with methionine.
Molecular consequence: missense variant.
Genome position (GRCh38, 1-based): chr1:202,948,372, C>T on the plus strand (G>A on the coding strand, the complement: ADIPOR1 is on the minus strand). VCF-style: chr1-202948372-C-T. GRCh37 (hg19) VCF-style: chr1-202917500-C-T.
Other names: c.190G>A, p.Val64Met (NM_001127687.1, NM_001290553.2, NM_001290557.1 and 1 more transcripts); short protein forms V64M.
Identifiers: ClinVar variation 2782925 (VCV002782925.3), dbSNP rs1654418340, ClinGen allele CA344283564.
Genomic context (GRCh38, chr1:202,948,372, plus strand): 5'-CAAACTCTTCCATCTTCTCCATGGCGTGGTGGGCTTGCAGGGGAAGTGTCAGTACCCGCA[C>T]CTCCTCCTCTTCTTCCTGGGGCACTGGGCATGTTTGCTCTTCTTCAGCCTATGGGGGAAA-3'
Protein context (NP_057083.2, residues 54-74): CPVPQEEEEE[Val64Met]RVLTLPLQAH